The following is an entry in ClinVar:

ClinVar aggregate classification (germline): Uncertain significance (1 of 4 stars; one submission).

Conditions:
KSR2-related disorder. Also called: KSR2-related condition.

gnomAD v4.1: 1 of 1,613,880 alleles (0.000062%); highest among the groups gnomAD compares: South Asian, 0.0011%; no homozygotes.

Submission:

PreventionGenetics, part of Exact Sciences
Classification: Uncertain significance for KSR2-related condition. Last evaluated: 2025-05-25. Review status: criteria provided, single submitter. Criteria: ACMG Guidelines, 2015. Collection method: clinical testing. Allele origin: germline.
Comment: The KSR2 c.2678C>G variant is predicted to result in the amino acid substitution p.Thr893Ser. To our knowledge, this variant has not been reported in the literature or in a large population database (gnomAD), indicating it is rare. At this time, the clinical significance of this variant is uncertain due to the absence of conclusive functional and genetic evidence.

NM_173598.6(KSR2):c.2765C>G (p.Thr922Ser)

Gene: KSR2 (kinase suppressor of ras 2; minus strand). Cytogenetic location: 12q24.22.
Variant type: single nucleotide variant.
Coding change: c.2765C>G on transcript NM_173598.6 (MANE Select); coding-DNA position 2765, C replaced by G.
Protein change: p.Thr922Ser; replaces threonine 922 with serine.
Molecular consequence: missense variant.
Genome position (GRCh38, 1-based): chr12:117,469,743, G>C on the plus strand (C>G on the coding strand, the complement: KSR2 is on the minus strand). VCF-style: chr12-117469743-G-C. GRCh37 (hg19) VCF-style: chr12-117907548-G-C.
Other names: short protein forms T922S.
Identifiers: ClinVar variation 4989881 (VCV004989881.1).